The following is an entry in ClinVar:

NM_001372044.2(SHANK3):c.2300+2T>G

Gene: SHANK3 (SH3 and multiple ankyrin repeat domains 3; plus strand). Cytogenetic location: 22q13.33.
Variant type: single nucleotide variant.
Coding change: c.2300+2T>G on transcript NM_001372044.2 (MANE Select); the canonical splice donor site of the intron after coding-DNA position 2300, T replaced by G.
Molecular consequence: splice donor variant.
Genome position (GRCh38, 1-based): chr22:50,706,154, T>G. VCF-style: chr22-50706154-T-G. GRCh37 (hg19) VCF-style: chr22-51144582-T-G.
Identifiers: ClinVar variation 3367423 (VCV003367423.1).
Genomic context (GRCh38, chr22:50,706,154, plus strand): 5'-CCCCAGCACCACACTGACCCTGCGCTCCAAGTCCATGACAGCTGAGCTCGAGGAACTTGG[T>G]GAGTGGCGGGGGTGGCGGTGGAGGTGGACGCAGGTGGACGGTCCATGATGGGCAGACAGG-3'

ClinVar aggregate classification (germline): Uncertain significance (1 of 4 stars; one submission).

Submission:

GeneDx
Classification: Uncertain significance. Last evaluated: 2023-12-31. Review status: criteria provided, single submitter. Criteria: GeneDx Variant Classification Process June 2021. Collection method: clinical testing. Allele origin: germline. Affected: yes.
Comment: Not observed at significant frequency in large population cohorts (gnomAD); Canonical splice variant in the 5' region of the gene where loss-of-function has not been definitively established as a disease mechanism (PMID 28179641); Has not been previously published as pathogenic or benign to our knowledge